The following is an entry in ClinVar:

ClinVar aggregate classification (germline): Likely benign. Review status: criteria provided, multiple submitters, no conflicts (2 of 4 stars). 3 submissions from 3 submitters: Likely benign (3). Last evaluated 2025-04-23.

Conditions:
Duchenne muscular dystrophy (DMD). Also called: MUSCULAR DYSTROPHY, PSEUDOHYPERTROPHIC PROGRESSIVE, DUCHENNE TYPE; Duchenne Muscular Dystrophy (DMD). Identifiers: Orphanet 98896, MedGen C0013264, MONDO:0010679, OMIM 310200.

Allele frequency attached by ClinVar (database versions not stated): gnomAD exomes below 0.00001 and 0.00001; ExAC 0.00002.
gnomAD v4.1: 3 of 1,210,369 alleles (0.00025%); highest among the groups gnomAD compares: Admixed American, 0.0065%; no homozygotes.

Submissions (3):

Women's Health and Genetics/Laboratory Corporation of America, LabCorp
Classification: Likely benign. Last evaluated: 2025-04-23. Review status: criteria provided, single submitter. Criteria: LabCorp Variant Classification Summary - May 2015. Collection method: clinical testing. Allele origin: germline.

Labcorp Genetics (formerly Invitae), Labcorp
Classification: Likely benign for Duchenne muscular dystrophy. Last evaluated: 2024-02-02. Review status: criteria provided, single submitter. Criteria: Invitae Variant Classification Sherloc (09022015). Collection method: clinical testing. Allele origin: germline.

GeneDx
Classification: Likely benign. Last evaluated: 2016-11-01. Review status: criteria provided, single submitter. Criteria: GeneDx Variant Classification (06012015). Collection method: clinical testing. Allele origin: germline. Affected: yes.
Comment: This variant is considered likely benign or benign based on one or more of the following criteria: it is a conservative change, it occurs at a poorly conserved position in the protein, it is predicted to be benign by multiple in silico algorithms, and/or has population frequency not consistent with disease.

NM_004006.3(DMD):c.7873-6C>A

Gene: DMD (dystrophin; minus strand). Cytogenetic location: Xp21.1.
Variant type: single nucleotide variant.
Coding change: c.7873-6C>A on transcript NM_004006.3 (MANE Select); 6 bases into the intron before coding-DNA position 7873, C replaced by A.
Molecular consequence: intron variant.
Genome position (GRCh38, 1-based): chrX:31,658,150, G>T on the plus strand (C>A on the coding strand, the complement: DMD is on the minus strand). VCF-style: chrX-31658150-G-T. GRCh37 (hg19) VCF-style: chrX-31676267-G-T.
Other names: c.7849-6C>A (NM_000109.4); c.3850-6C>A (NM_004011.4); c.3841-6C>A (NM_004012.4); c.493-6C>A (NM_004023.3, NM_004020.4, NM_004022.3 and 2 more transcripts); c.7861-6C>A (NM_004009.3); c.7504-6C>A (NM_004010.3).
Identifiers: ClinVar variation 390047 (VCV000390047.13), dbSNP rs764629897, ClinGen allele CA10378193.